The following is an entry in ClinVar:

ClinVar aggregate classification (germline): Uncertain significance (1 of 4 stars; one submission).

Conditions:
Familial encephalopathy with neuroserpin inclusion bodies. Also called: ENCEPHALOPATHY, FAMILIAL, WITH COLLINS BODIES. Identifiers: Orphanet 85110, MedGen C1858680, MONDO:0011412, OMIM 604218.

gnomAD v4.1: 4 of 1,586,996 alleles (0.00025%); highest among the groups gnomAD compares: African/African-American, 0.0027%; no homozygotes.

Submission:

Labcorp Genetics (formerly Invitae), Labcorp
Classification: Uncertain significance for Familial encephalopathy with neuroserpin inclusion bodies. Last evaluated: 2022-02-09. Review status: criteria provided, single submitter. Criteria: Invitae Variant Classification Sherloc (09022015). Collection method: clinical testing. Allele origin: germline.
Comment: In summary, the available evidence is currently insufficient to determine the role of this variant in disease. Therefore, it has been classified as a Variant of Uncertain Significance. Algorithms developed to predict the effect of missense changes on protein structure and function output the following: SIFT: "Tolerated"; PolyPhen-2: "Benign"; Align-GVGD: "Class C0". The aspartic acid amino acid residue is found in multiple mammalian species, which suggests that this missense change does not adversely affect protein function. This variant has not been reported in the literature in individuals affected with SERPINI1-related conditions. This variant is present in population databases (no rsID available, gnomAD 0.007%). This sequence change replaces asparagine, which is neutral and polar, with aspartic acid, which is acidic and polar, at codon 328 of the SERPINI1 protein (p.Asn328Asp).

NM_001122752.2(SERPINI1):c.982A>G (p.Asn328Asp)

Gene: SERPINI1 (serpin family I member 1; plus strand). Cytogenetic location: 3q26.1.
Variant type: single nucleotide variant.
Coding change: c.982A>G on transcript NM_001122752.2 (MANE Select); coding-DNA position 982, A replaced by G.
Protein change: p.Asn328Asp; replaces asparagine 328 with aspartic acid.
Molecular consequence: missense variant.
Genome position (GRCh38, 1-based): chr3:167,822,988, A>G. VCF-style: chr3-167822988-A-G. GRCh37 (hg19) VCF-style: chr3-167540776-A-G.
Other names: c.982A>G, p.Asn328Asp (NM_005025.5); short protein forms N328D.
Identifiers: ClinVar variation 2095328 (VCV002095328.4), dbSNP rs997668232, ClinGen allele CA87839232.
Genomic context (GRCh38, chr3:167,822,988, plus strand): 5'-GCAAAATATTTTCCTATCTCTGAATGAAAAAAAAAAATTTCTGATTCTCTTTTTGCAGAT[A>G]ATAAGGAGATTTTTCTTTCCAAAGCAATTCACAAGTCCTTCCTAGAGGTTAATGAAGAAG-3'
Protein context (NP_001116224.1, residues 318-338): KDANLTGLSD[Asn328Asp]KEIFLSKAIH